The following is an entry in ClinVar:

ClinVar aggregate classification (germline): Uncertain significance (1 of 4 stars; one submission).

Conditions:
Inborn genetic diseases. Identifiers: MedGen C0950123, MeSH D030342.

Submission:

Ambry Genetics
Classification: Uncertain significance for Inborn genetic diseases. Last evaluated: 2024-12-24. Review status: criteria provided, single submitter. Criteria: Ambry Variant Classification Scheme 2023. Collection method: clinical testing. Allele origin: germline.
Comment: The p.S182R variant (also known as c.546C>G), located in coding exon 6 of the DDX41 gene, results from a C to G substitution at nucleotide position 546. The serine at codon 182 is replaced by arginine, an amino acid with dissimilar properties. This amino acid position is highly conserved in available vertebrate species. In addition, this alteration is predicted to be tolerated by in silico analysis. Based on the available evidence, the clinical significance of this variant remains unclear.

NM_016222.4(DDX41):c.546C>G (p.Ser182Arg)

Gene: DDX41 (DEAD-box helicase 41; minus strand). Cytogenetic location: 5q35.3.
Variant type: single nucleotide variant.
Coding change: c.546C>G on transcript NM_016222.4 (MANE Select); coding-DNA position 546, C replaced by G.
Protein change: p.Ser182Arg; replaces serine 182 with arginine.
Molecular consequence: missense variant.
Genome position (GRCh38, 1-based): chr5:177,515,710, G>C on the plus strand (C>G on the coding strand, the complement: DDX41 is on the minus strand). VCF-style: chr5-177515710-G-C. GRCh37 (hg19) VCF-style: chr5-176942711-G-C.
Other names: c.168C>G, p.Ser56Arg (NM_001321732.2, NM_001321830.2); short protein forms S182R, S56R.
Identifiers: ClinVar variation 3838921 (VCV003838921.1).